The following is an entry in ClinVar:

ClinVar aggregate classification (germline): Uncertain significance (1 of 4 stars; one submission).

Conditions:
Primary ciliary dyskinesia 6. Also called: Primary Ciliary Dyskinesia 6: TXNDC3-Related Primary Ciliary Dyskinesia. Identifiers: Orphanet 244, MedGen C1970506, MONDO:0012571, OMIM 610852.

Allele frequency attached by ClinVar (database versions not stated): gnomAD exomes below 0.00001; gnomAD 0.00001; TOPMed 0.00002.
gnomAD v4.1: 7 of 1,614,020 alleles (0.00043%); highest among the groups gnomAD compares: Admixed American, 0.0017%; no homozygotes.

Submission:

Labcorp Genetics (formerly Invitae), Labcorp
Classification: Uncertain significance for Primary ciliary dyskinesia 6. Last evaluated: 2025-12-01. Review status: criteria provided, single submitter. Criteria: Invitae Variant Classification Sherloc (09022015). Collection method: clinical testing. Allele origin: germline.
Comment: This sequence change replaces serine, which is neutral and polar, with asparagine, which is neutral and polar, at codon 18 of the NME8 protein (p.Ser18Asn). This variant is present in population databases (no rsID available, gnomAD 0.003%). This variant has not been reported in the literature in individuals affected with NME8-related conditions. ClinVar contains an entry for this variant (Variation ID: 963372). Invitae Evidence Modeling of protein sequence and biophysical properties (such as structural, functional, and spatial information, amino acid conservation, physicochemical variation, residue mobility, and thermodynamic stability) indicates that this missense variant is not expected to disrupt NME8 protein function with a negative predictive value of 80%. In summary, the available evidence is currently insufficient to determine the role of this variant in disease. Therefore, it has been classified as a Variant of Uncertain Significance.

NM_016616.5(NME8):c.53G>A (p.Ser18Asn)

Gene: NME8 (NME/NM23 family member 8; plus strand). Cytogenetic location: 7p14.1.
Variant type: single nucleotide variant.
Coding change: c.53G>A on transcript NM_016616.5 (MANE Select); coding-DNA position 53, G replaced by A.
Protein change: p.Ser18Asn; replaces serine 18 with asparagine.
Molecular consequence: missense variant.
Genome position (GRCh38, 1-based): chr7:37,850,397, G>A. VCF-style: chr7-37850397-G-A. GRCh37 (hg19) VCF-style: chr7-37889999-G-A.
Other names: short protein forms S18N.
Identifiers: ClinVar variation 963372 (VCV000963372.9), dbSNP rs934943362, ClinGen allele CA157146637.